The following is an entry in ClinVar:

GRCh38/hg38 17q12(chr17:36459737-37860756)x3

Genes: AATF (apoptosis antagonizing transcription factor; plus strand), ACACA (acetyl-CoA carboxylase alpha; minus strand), C17orf78 (chromosome 17 open reading frame 78; plus strand), DDX52 (DExD-box helicase 52; minus strand), DHRS11 (dehydrogenase/reductase 11; plus strand) and 30 more. Cytogenetic location: 17q12.
Variant type: copy number gain.
Change: copy number 3 (three copies instead of two) of chr17:36,459,737-37,860,756 (1.40 Mb, GRCh38 coordinates, 1-based), cytogenetic band 17q12.
Identifiers: ClinVar variation 4890950 (VCV004890950.1).

ClinVar aggregate classification (germline): Pathogenic (1 of 4 stars; one submission).

Submission:

Clinical Genomics Laboratory, Laboratory for Precision Diagnostics, University of Washington
Classification: Pathogenic. Last evaluated: 2023-12-05. Review status: criteria provided, single submitter. Criteria: ACMG/ClinGen CNV Guidelines, 2019. Collection method: clinical testing. Allele origin: paternal. Affected: yes. Observed: 1 variant allele.
Comment: This duplication is approximately 1.4 Mb in size and contains 15 protein-coding genes. Among the people with the 17q12 recurrent duplication who are the first in their family to be diagnosed, it's variably associated with speech delay, gross motor delay, seizures, and eye or vision problems. Intellectual ability ranges from normal to learning disabilities to severe disability. Heart and renal abnormalities and short stature occur more frequently than in the general population (PMID:30134084).

Literature cited by the submitters: PubMed 28040137; PubMed 30134084; PubMed 27409573; PubMed 23258348; PubMed 33678321.